The following is an entry in ClinVar:

ClinVar aggregate classification (germline): Uncertain significance. Review status: criteria provided, multiple submitters, no conflicts (2 of 4 stars). 4 submissions from 3 submitters: Uncertain significance (4). Last evaluated 2025-08-04.

Conditions:
Inborn genetic diseases. Identifiers: MedGen C0950123, MeSH D030342.
Autosomal recessive nonsyndromic hearing loss 21. Identifiers: Orphanet 90636, MedGen C1863655, MONDO:0011351, OMIM 603629.
Autosomal dominant nonsyndromic hearing loss 12. Also called: DEAFNESS, AUTOSOMAL DOMINANT 8. Identifiers: Orphanet 90635, MedGen C1832187, MONDO:0011102, OMIM 601543.

Allele frequency attached by ClinVar (database versions not stated): gnomAD 0.00001; gnomAD exomes 0.00003 and 0.00005; TOPMed 0.00003; ExAC 0.00008; ESP Exome Variant Server 0.00008.
gnomAD v4.1: 42 of 1,608,900 alleles (0.0026%); highest among the groups gnomAD compares: South Asian, 0.02%; no homozygotes.

Submissions (4):

Ambry Genetics
Classification: Uncertain significance for Inborn genetic diseases. Last evaluated: 2025-08-04. Review status: criteria provided, single submitter. Criteria: Ambry Variant Classification Scheme 2023. Collection method: clinical testing. Allele origin: germline.

Labcorp Genetics (formerly Invitae), Labcorp
Classification: Uncertain significance. Last evaluated: 2022-09-05. Review status: criteria provided, single submitter. Criteria: Invitae Variant Classification Sherloc (09022015). Collection method: clinical testing. Allele origin: germline.
Comment: Algorithms developed to predict the effect of missense changes on protein structure and function (SIFT, PolyPhen-2, Align-GVGD) all suggest that this variant is likely to be tolerated. In summary, the available evidence is currently insufficient to determine the role of this variant in disease. Therefore, it has been classified as a Variant of Uncertain Significance. This variant is present in population databases (rs150403193, gnomAD 0.02%). This variant has not been reported in the literature in individuals affected with TECTA-related conditions. ClinVar contains an entry for this variant (Variation ID: 303011). This sequence change replaces arginine, which is basic and polar, with glutamine, which is neutral and polar, at codon 959 of the TECTA protein (p.Arg959Gln).

Illumina Laboratory Services, Illumina
Classification: Uncertain significance for Autosomal recessive nonsyndromic hearing loss 21. Last evaluated: 2018-01-13. Review status: criteria provided, single submitter. Criteria: ICSL Variant Classification Criteria 13 December 2019. Collection method: clinical testing. Allele origin: germline.

Illumina Laboratory Services, Illumina
Classification: Uncertain significance for Autosomal dominant nonsyndromic hearing loss 12. Last evaluated: 2018-01-13. Review status: criteria provided, single submitter. Criteria: ICSL Variant Classification Criteria 13 December 2019. Collection method: clinical testing. Allele origin: germline.

NM_005422.4(TECTA):c.2876G>A (p.Arg959Gln)

Genes: TBCEL-TECTA (TBCEL-TECTA readthrough; plus strand), TECTA (tectorin alpha; plus strand), LOC126861365 (P300/CBP strongly-dependent group 1 enhancer GRCh37_chr11:121000154-121001353; plus strand). Cytogenetic location: 11q23.3.
Variant type: single nucleotide variant.
Coding change: c.2876G>A on transcript NM_005422.4 (MANE Select); coding-DNA position 2876, G replaced by A.
Protein change: p.Arg959Gln; replaces arginine 959 with glutamine.
Molecular consequence: missense variant.
Genome position (GRCh38, 1-based): chr11:121,130,146, G>A. VCF-style: chr11-121130146-G-A. GRCh37 (hg19) VCF-style: chr11-121000855-G-A.
Other names: c.3833G>A, p.Arg1278Gln (NM_001378761.1); short protein forms R959Q, R1278Q.
Identifiers: ClinVar variation 303011 (VCV000303011.10), dbSNP rs150403193, ClinGen allele CA6327085.